The following is an entry in ClinVar:

ClinVar aggregate classification (germline): Uncertain significance. Review status: criteria provided, multiple submitters, no conflicts (2 of 4 stars). 2 submissions from 2 submitters: Uncertain significance (2). Last evaluated 2025-07-31.

Conditions:
CPLANE1-related disorder. Also called: CPLANE1-related condition.

Allele frequency attached by ClinVar (database versions not stated): gnomAD exomes 0.00001; TOPMed 0.00001; ExAC 0.00002; gnomAD 0.00003; 1000 Genomes Project 30x 0.00016; 1000 Genomes Project 0.00020.
gnomAD v4.1: 14 of 1,613,700 alleles (0.00087%); highest among the groups gnomAD compares: Admixed American, 0.013%; no homozygotes.

Submissions (2):

PreventionGenetics, part of Exact Sciences
Classification: Uncertain significance for CPLANE1-related condition. Last evaluated: 2025-07-31. Review status: criteria provided, single submitter. Criteria: ACMG Guidelines, 2015. Collection method: clinical testing. Allele origin: germline.
Comment: The CPLANE1 c.4651A>G variant is predicted to result in the amino acid substitution p.Ile1551Val. To our knowledge, this variant has not been reported in the literature. This variant is reported in 0.0085% of alleles in individuals of Latino descent in gnomAD. At this time, the clinical significance of this variant is uncertain due to the absence of conclusive functional and genetic evidence.

Labcorp Genetics (formerly Invitae), Labcorp
Classification: Uncertain significance. Last evaluated: 2022-07-19. Review status: criteria provided, single submitter. Criteria: Invitae Variant Classification Sherloc (09022015). Collection method: clinical testing. Allele origin: germline.
Comment: This sequence change replaces isoleucine, which is neutral and non-polar, with valine, which is neutral and non-polar, at codon 1551 of the CPLANE1 protein (p.Ile1551Val). This variant is present in population databases (rs544656011, gnomAD 0.009%). This variant has not been reported in the literature in individuals affected with CPLANE1-related conditions. ClinVar contains an entry for this variant (Variation ID: 1492896). Advanced modeling of protein sequence and biophysical properties (such as structural, functional, and spatial information, amino acid conservation, physicochemical variation, residue mobility, and thermodynamic stability) performed at Invitae indicates that this missense variant is not expected to disrupt CPLANE1 protein function. In summary, the available evidence is currently insufficient to determine the role of this variant in disease. Therefore, it has been classified as a Variant of Uncertain Significance.

NM_001384732.1(CPLANE1):c.4651A>G (p.Ile1551Val)

Gene: CPLANE1 (ciliogenesis and planar polarity effector complex subunit 1; minus strand). Cytogenetic location: 5p13.2.
Variant type: single nucleotide variant.
Coding change: c.4651A>G on transcript NM_001384732.1 (MANE Select); coding-DNA position 4651, A replaced by G.
Protein change: p.Ile1551Val; replaces isoleucine 1551 with valine.
Molecular consequence: missense variant.
Genome position (GRCh38, 1-based): chr5:37,183,530, T>C on the plus strand (A>G on the coding strand, the complement: CPLANE1 is on the minus strand). VCF-style: chr5-37183530-T-C. GRCh37 (hg19) VCF-style: chr5-37183632-T-C.
Other names: c.4651A>G (NM_023073.3); c.4651A>G, p.Ile1551Val (NM_023073.4); short protein forms I1551V.
Identifiers: ClinVar variation 1492896 (VCV001492896.7), dbSNP rs544656011, ClinGen allele CA3238660.
Genomic context (GRCh38, chr5:37,183,530, plus strand): 5'-CCCTGGAATAAGGTAGGTCTCTTTCAAGAATGTAACTCAAAAACAGATCAAGGAATTTAA[T>C]ATATTCATCATCATCACGTTCAAATTCCCAAACACCTATTACAGGAAGTGTATTTTGTGA-3'
Protein context (NP_001371661.1, residues 1541-1561): WEFERDDDEY[Ile1551Val]KFLDLFLSYI